The following is an entry in ClinVar:

NM_004304.5(ALK):c.2723A>G (p.Gln908Arg)

Gene: ALK (ALK receptor tyrosine kinase; minus strand). Cytogenetic location: 2p23.2.
Variant type: single nucleotide variant.
Coding change: c.2723A>G on transcript NM_004304.5 (MANE Select); coding-DNA position 2723, A replaced by G.
Protein change: p.Gln908Arg; replaces glutamine 908 with arginine.
Molecular consequence: missense variant.
Genome position (GRCh38, 1-based): chr2:29,228,976, T>C on the plus strand (A>G on the coding strand, the complement: ALK is on the minus strand). VCF-style: chr2-29228976-T-C. GRCh37 (hg19) VCF-style: chr2-29451842-T-C.
Other names: short protein forms Q908R.
Identifiers: ClinVar variation 650173 (VCV000650173.8), dbSNP rs1573134667, ClinGen allele CA346469830.

ClinVar aggregate classification (germline): Uncertain significance. Review status: criteria provided, multiple submitters, no conflicts (2 of 4 stars). 2 submissions from 2 submitters: Uncertain significance (2). Last evaluated 2025-08-06.

Conditions:
Hereditary cancer-predisposing syndrome. Also called: Hereditary Cancer Syndrome; Tumor predisposition; Neoplastic Syndromes, Hereditary; Hereditary neoplastic syndrome. Identifiers: Orphanet 140162, MedGen C0027672, MeSH D009386, MONDO:0015356.
Neuroblastoma, susceptibility to, 3. Also called: ALK-Related Neuroblastic Tumor Susceptibility. Identifiers: Orphanet 635, MedGen C2751681, MONDO:0013083, OMIM 613014.

Allele frequency attached by ClinVar (database versions not stated): gnomAD exomes below 0.00001; gnomAD 0.00001.
gnomAD v4.1: 2 of 1,345,774 alleles (0.00015%); highest among the groups gnomAD compares: African/African-American, 0.0018%; no homozygotes.

Submissions (2):

Labcorp Genetics (formerly Invitae), Labcorp
Classification: Uncertain significance for Neuroblastoma, susceptibility to, 3. Last evaluated: 2025-08-06. Review status: criteria provided, single submitter. Criteria: Invitae Variant Classification Sherloc (09022015). Collection method: clinical testing. Allele origin: germline.
Comment: This sequence change replaces glutamine, which is neutral and polar, with arginine, which is basic and polar, at codon 908 of the ALK protein (p.Gln908Arg). This variant is not present in population databases (gnomAD no frequency). This variant has not been reported in the literature in individuals affected with ALK-related conditions. ClinVar contains an entry for this variant (Variation ID: 650173). An algorithm developed to predict the effect of missense changes on protein structure and function (PolyPhen-2) suggests that this variant is likely to be disruptive. In summary, the available evidence is currently insufficient to determine the role of this variant in disease. Therefore, it has been classified as a Variant of Uncertain Significance.

Ambry Genetics
Classification: Uncertain significance for Hereditary cancer-predisposing syndrome. Last evaluated: 2023-05-30. Review status: criteria provided, single submitter. Criteria: Ambry Variant Classification Scheme 2023. Collection method: clinical testing. Allele origin: germline.
Comment: The p.Q908R variant (also known as c.2723A>G), located in coding exon 16 of the ALK gene, results from an A to G substitution at nucleotide position 2723. The glutamine at codon 908 is replaced by arginine, an amino acid with highly similar properties. This amino acid position is conserved. In addition, the in silico prediction for this alteration is inconclusive. Since supporting evidence is limited at this time, the clinical significance of this alteration remains unclear.